The following is an entry in ClinVar:

NM_001378454.1(ALMS1):c.1997C>T (p.Ser666Phe)

Gene: ALMS1 (ALMS1 centrosome and basal body associated protein; plus strand). Cytogenetic location: 2p13.1.
Variant type: single nucleotide variant.
Coding change: c.1997C>T on transcript NM_001378454.1 (MANE Select); coding-DNA position 1997, C replaced by T.
Protein change: p.Ser666Phe; replaces serine 666 with phenylalanine.
Molecular consequence: missense variant.
Genome position (GRCh38, 1-based): chr2:73,448,524, C>T. VCF-style: chr2-73448524-C-T. GRCh37 (hg19) VCF-style: chr2-73675651-C-T.
Other names: c.2000C>T, p.Ser667Phe (NM_015120.4); short protein forms S667F, S666F.
Identifiers: ClinVar variation 5002187 (VCV005002187.1).

ClinVar aggregate classification (germline): Uncertain significance (1 of 4 stars; one submission).

Conditions:
ALMS1-related disorder. Also called: ALMS1-related condition.

Submission:

PreventionGenetics, part of Exact Sciences
Classification: Uncertain significance for ALMS1-related condition. Last evaluated: 2024-12-27. Review status: criteria provided, single submitter. Criteria: ACMG Guidelines, 2015. Collection method: clinical testing. Allele origin: germline.
Comment: The ALMS1 c.2000C>T variant is predicted to result in the amino acid substitution p.Ser667Phe. To our knowledge, this variant has not been reported in the literature or in a large population database (gnomAD), indicating this variant is rare. At this time, the clinical significance of this variant is uncertain due to the absence of conclusive functional and genetic evidence.